The following is an entry in ClinVar:

ClinVar aggregate classification (germline): Uncertain significance (1 of 4 stars; one submission).

Submission:

GeneDx
Classification: Uncertain significance. Last evaluated: 2026-01-08. Review status: criteria provided, single submitter. Criteria: GeneDx Variant Classification Process June 2021. Collection method: clinical testing. Allele origin: germline. Affected: yes.
Comment: Not observed at significant frequency in large population cohorts (gnomAD); In silico analysis supports that this missense variant has a deleterious effect on protein structure/function; Has not been previously published as pathogenic or benign to our knowledge

NM_003601.4(SMARCA5):c.560G>A (p.Gly187Glu)

Gene: SMARCA5 (SNF2 related chromatin remodeling ATPase 5; plus strand). Cytogenetic location: 4q31.21.
Variant type: single nucleotide variant.
Coding change: c.560G>A on transcript NM_003601.4 (MANE Select); coding-DNA position 560, G replaced by A.
Protein change: p.Gly187Glu; replaces glycine 187 with glutamic acid.
Molecular consequence: missense variant.
Genome position (GRCh38, 1-based): chr4:143,525,490, G>A. VCF-style: chr4-143525490-G-A. GRCh37 (hg19) VCF-style: chr4-144446643-G-A.
Other names: short protein forms G187E.
Identifiers: ClinVar variation 3383707 (VCV003383707.2).
Genomic context (GRCh38, chr4:143,525,490, plus strand): 5'-GTGCTTTTCTTTTGTTCTTAGATGTAAAATGGGGTAAACTGAGAGATTATCAGGTCCGAG[G>A]ATTAAACTGGCTCATTTCTTTGTATGAGAATGGCATCAATGGTATCCTTGCAGATGAAAT-3'
Protein context (NP_003592.3, residues 177-197): WGKLRDYQVR[Gly187Glu]LNWLISLYEN